The following is an entry in ClinVar:

ClinVar aggregate classification (germline): Uncertain significance (1 of 4 stars; one submission).

Submission:

Ambry Genetics
Classification: Uncertain significance. Last evaluated: 2022-02-02. Review status: criteria provided, single submitter. Criteria: Ambry Variant Classification Scheme 2023. Collection method: clinical testing. Allele origin: germline.
Comment: The c.1390dupG variant, located in coding exon 11 of the RECQL gene, results from a duplication of G at nucleotide position 1390, causing a translational frameshift with a predicted alternate stop codon (p.E464Gfs*9). This alteration is expected to result in premature protein truncation or nonsense-mediated mRNA decay. The evidence for this gene-disease relationship is limited; therefore, the clinical significance of this alteration is unclear.

NM_002907.4(RECQL):c.1390dup (p.Glu464fs)

Gene: RECQL (RecQ like helicase; minus strand). Cytogenetic location: 12p12.1.
Variant type: Duplication.
Coding change: c.1390dup on transcript NM_002907.4 (MANE Select); coding-DNA position 1390, one base duplicated (G; older notation c.1390dupG).
Protein change: p.Glu464fs; shifts the reading frame from glutamic acid 464.
Molecular consequence: frameshift variant.
Genome position (GRCh38, 1-based): chr12:21,473,608, C duplicated on the plus strand (G on the coding strand, the reverse complement: RECQL is on the minus strand). VCF-style (leftmost placement, unchanged base first): chr12-21473607-T-TC. GRCh37 (hg19) VCF-style: chr12-21626541-T-TC.
Other names: c.1390dup, p.Glu464fs (NM_032941.3); short protein forms E464fs.
Identifiers: ClinVar variation 1771545 (VCV001771545.2), dbSNP rs2540334461, ClinGen allele CA2580085273.